The following is an entry in ClinVar:

NM_015295.3(SMCHD1):c.2519del (p.Pro840fs)

Gene: SMCHD1 (structural maintenance of chromosomes flexible hinge domain containing 1; plus strand). Cytogenetic location: 18p11.32.
Variant type: Deletion.
Coding change: c.2519del on transcript NM_015295.3 (MANE Select); coding-DNA position 2519, one base deleted (C; older notation c.2519delC).
Protein change: p.Pro840fs; shifts the reading frame from proline 840.
Molecular consequence: frameshift variant.
Genome position (GRCh38, 1-based): chr18:2,722,579, C deleted; the last of 2 consecutive C bases (chr18:2,722,578-2,722,579); deleting either gives the same sequence. VCF-style (leftmost placement, unchanged base first): chr18-2722577-TC-T. GRCh37 (hg19) VCF-style: chr18-2722575-TC-T.
Other names: short protein forms P840fs.
Identifiers: ClinVar variation 4807255 (VCV004807255.1).

ClinVar aggregate classification (germline): Pathogenic (1 of 4 stars; one submission).

Conditions:
Facioscapulohumeral muscular dystrophy 2 (FSHD2). Also called: FACIOSCAPULOHUMERAL MUSCULAR DYSTROPHY 2, DIGENIC; FSHD2, DIGENIC; MUSCULAR DYSTROPHY, FACIOSCAPULOHUMERAL, TYPE 1B. Identifiers: Orphanet 269, MedGen C1834671, MONDO:0008031, OMIM 158901.

Submission:

Labcorp Genetics (formerly Invitae), Labcorp
Classification: Pathogenic for Facioscapulohumeral muscular dystrophy 2. Last evaluated: 2025-09-30. Review status: criteria provided, single submitter. Criteria: Invitae Variant Classification Sherloc (09022015). Collection method: clinical testing. Allele origin: germline.
Comment: This sequence change creates a premature translational stop signal (p.Pro840Hisfs*18) in the SMCHD1 gene. It is expected to result in an absent or disrupted protein product. Loss-of-function variants in SMCHD1 are known to be pathogenic (PMID: 23143600). This variant is not present in population databases (gnomAD no frequency). This variant has not been reported in the literature in individuals affected with SMCHD1-related conditions. For these reasons, this variant has been classified as Pathogenic.

Literature cited by the submitters: PubMed 23143600.